The following is an entry in ClinVar:

NM_018972.4(GDAP1):c.579del (p.Lys193fs)

Gene: GDAP1 (ganglioside induced differentiation associated protein 1; plus strand). Cytogenetic location: 8q21.11.
Variant type: Deletion.
Coding change: c.579del on transcript NM_018972.4 (MANE Select); coding-DNA position 579, one base deleted (A; older notation c.579delA).
Protein change: p.Lys193fs; shifts the reading frame from lysine 193.
Molecular consequence: frameshift variant.
Genome position (GRCh38, 1-based): chr8:74,361,978, A deleted; the last of 3 consecutive A bases (chr8:74,361,976-74,361,978); deleting any one gives the same sequence. VCF-style (leftmost placement, unchanged base first): chr8-74361975-TA-T. GRCh37 (hg19) VCF-style: chr8-75274210-TA-T.
Other names: c.579del (NM_018972.2); c.375del, p.Lys125fs (NM_001040875.4); c.252del, p.Lys84fs (NM_001362929.2, NM_001362932.2); c.405del, p.Lys135fs (NM_001362930.2); c.579del, p.Lys193fs (NM_001362931.2); short protein forms K193fs, K84fs, K125fs, K135fs.
Identifiers: ClinVar variation 406137 (VCV000406137.12), dbSNP rs1060500979, ClinGen allele CA16612350.

ClinVar aggregate classification (germline): Pathogenic. Review status: criteria provided, single submitter (1 of 4 stars). 3 submissions from 3 submitters: Pathogenic (1). 2 of the submissions do not count toward it. Last evaluated 2023-12-28.

Conditions:
Charcot-Marie-Tooth disease type 4A. Also called: Charcot-Marie-Tooth disease, demyelinating, autosomal recessive, type 4a. Identifiers: Orphanet 99948, MedGen C1859198, MONDO:0008961, OMIM 214400.
Charcot-Marie-Tooth disease axonal type 2K (CMT2K). Also called: Charcot-Marie-Tooth disease type 2K; CHARCOT-MARIE-TOOTH DISEASE, AXONAL, AUTOSOMAL RECESSIVE, TYPE 2K; CHARCOT-MARIE-TOOTH NEUROPATHY, AXONAL, TYPE 2K. Identifiers: Orphanet 101097, Orphanet 99944, MedGen C1842983, MONDO:0011916, OMIM 607831.
Charcot-Marie-Tooth disease. Also called: Charcot-Marie-Tooth Neuropathy; Charcot-Marie-Tooth Hereditary Neuropathy. Identifiers: Orphanet 166, MedGen C0007959, MONDO:0015626.

Submissions (3):

Labcorp Genetics (formerly Invitae), Labcorp
Classification: Pathogenic for Charcot-Marie-Tooth disease type 4A. Last evaluated: 2023-12-28. Review status: criteria provided, single submitter. Criteria: Invitae Variant Classification Sherloc (09022015). Collection method: clinical testing. Allele origin: germline.
Comment: This sequence change creates a premature translational stop signal (p.Lys193Asnfs*13) in the GDAP1 gene. It is expected to result in an absent or disrupted protein product. Loss-of-function variants in GDAP1 are known to be pathogenic (PMID: 11743580). This variant is not present in population databases (gnomAD no frequency). This premature translational stop signal has been observed in individual(s) with Charcot-Marie-Tooth disease (PMID: 25614874). ClinVar contains an entry for this variant (Variation ID: 406137). For these reasons, this variant has been classified as Pathogenic.

Inherited Neuropathy Consortium Ii, University Of Miami
Classification: Uncertain significance for Charcot-Marie-Tooth disease axonal type 2K. Last evaluated: 2016-01-06. Review status: no assertion criteria provided. Collection method: literature only. Allele origin: germline. Affected: yes. Not counted in ClinVar's aggregate classification.

Inherited Neuropathy Consortium
Classification: Uncertain significance for Charcot-Marie-Tooth disease. Review status: no assertion criteria provided. Collection method: literature only. Allele origin: germline. Affected: yes. Not counted in ClinVar's aggregate classification.

Literature cited by the submitters: PubMed 11743580 (cited by Labcorp Genetics (formerly Invitae), Labcorp); PubMed 25614874 (cited by 3 submitters).